The following is an entry in ClinVar:

ClinVar aggregate classification (germline): Benign (1 of 4 stars; one submission).

Conditions:
Alpha-methylacyl-CoA racemase deficiency (AMACRD). Also called: AMACR deficiency. Identifiers: Orphanet 79095, MedGen C3280428, MONDO:0013681, OMIM 614307. Disease mechanism: loss of function.

Allele frequency attached by ClinVar (database versions not stated): gnomAD 0.00865 and 0.00932; 1000 Genomes Project 0.00899; TOPMed 0.00990; 1000 Genomes Project 30x 0.01015.

Submission:

Illumina Laboratory Services, Illumina
Classification: Benign for Alpha-methylacyl-CoA racemase deficiency. Last evaluated: 2018-01-13. Review status: criteria provided, single submitter. Criteria: ICSL Variant Classification Criteria 13 December 2019. Collection method: clinical testing. Allele origin: germline.
Comment: This variant was observed in the ICSL laboratory as part of a predisposition screen in an ostensibly healthy population. It had not been previously curated by ICSL or reported in the Human Gene Mutation Database (HGMD: prior to June 1st, 2018), and was therefore a candidate for classification through an automated scoring system. Utilizing variant allele frequency, disease prevalence and penetrance estimates, and inheritance mode, an automated score was calculated to assess if this variant is too frequent to cause the disease. Based on the score and internal cut-off values, a variant classified as benign is not then subjected to further curation. The score for this variant resulted in a classification of benign for this disease.

NM_014324.6(AMACR):c.*1727G>T

Genes: AMACR (alpha-methylacyl-CoA racemase; minus strand), C1QTNF3-AMACR (C1QTNF3-AMACR readthrough (NMD candidate); minus strand). Cytogenetic location: 5p13.2.
Variant type: single nucleotide variant.
Coding change: c.*1727G>T on transcript NM_014324.6 (MANE Select); 1727 bases downstream of the stop codon, G replaced by T.
Molecular consequence: 3 prime UTR variant. On other transcripts: non-coding transcript variant (1).
Genome position (GRCh38, 1-based): chr5:33,987,366, C>A on the plus strand (G>T on the coding strand, the complement: AMACR is on the minus strand). VCF-style: chr5-33987366-C-A. GRCh37 (hg19) VCF-style: chr5-33987471-C-A.
Other names: c.*942G>T (NM_001167595.2); c.*2118G>T (NM_203382.3).
Identifiers: ClinVar variation 353229 (VCV000353229.5), dbSNP rs116333833, ClinGen allele CA10624349.